The following is an entry in ClinVar:

NM_003242.6(TGFBR2):c.1396G>A (p.Glu466Lys)

Gene: TGFBR2 (transforming growth factor beta receptor 2; plus strand). Cytogenetic location: 3p24.1.
Variant type: single nucleotide variant.
Coding change: c.1396G>A on transcript NM_003242.6 (MANE Select); coding-DNA position 1396, G replaced by A.
Protein change: p.Glu466Lys; replaces glutamic acid 466 with lysine.
Molecular consequence: missense variant. On other transcripts: intron variant (1).
Genome position (GRCh38, 1-based): chr3:30,674,246, G>A. VCF-style: chr3-30674246-G-A. GRCh37 (hg19) VCF-style: chr3-30715738-G-A.
Other names: c.1471G>A, p.Glu491Lys (NM_001024847.3); c.1579G>A, p.Glu527Lys (NM_001407126.1); c.1504G>A, p.Glu502Lys (NM_001407127.1); c.1423G>A, p.Glu475Lys (NM_001407128.1); c.1399G>A, p.Glu467Lys (NM_001407129.1); c.1396G>A, p.Val466Ile (NM_001407130.1); c.1291G>A, p.Glu431Lys (NM_001407132.1, NM_001407133.1, NM_001407134.1 and 2 more transcripts); c.1111G>A, p.Glu371Lys (NM_001407137.1); and 2 more; short protein forms E431K, E475K, E502K, E466K, E467K, E346K, E491K, E527K.
Identifiers: ClinVar variation 3455844 (VCV003455844.1).

ClinVar aggregate classification (germline): Uncertain significance (1 of 4 stars; one submission).

Conditions:
Familial thoracic aortic aneurysm and aortic dissection (TAAD). Also called: Thoracic aortic aneurysms and dissections. Identifiers: Orphanet 91387, MedGen C4707243, MONDO:0019625.

Submission:

Ambry Genetics
Classification: Uncertain significance for Familial thoracic aortic aneurysm and aortic dissection. Last evaluated: 2024-10-17. Review status: criteria provided, single submitter. Criteria: Ambry Variant Classification Scheme 2023. Collection method: clinical testing. Allele origin: germline.
Comment: The p.E466K variant (also known as c.1396G>A), located in coding exon 5 of the TGFBR2 gene, results from a G to A substitution at nucleotide position 1396. The amino acid change results in glutamic acid to lysine at codon 466, an amino acid with similar properties. However, this change occurs in the last base pair of coding exon 5, which makes it likely to have some effect on normal mRNA splicing. This nucleotide position is highly conserved in available vertebrate species. This amino acid position is well conserved in available vertebrate species. In silico splice site analysis predicts that this alteration may weaken the native splice donor site and may result in the creation or strengthening of a novel splice donor site. In addition, as a missense substitution this is predicted to be deleterious by in silico analysis. However, loss of function of TGFBR2 has not been established as a mechanism of disease. Based on the available evidence, the clinical significance of this alteration remains unclear.